The following is an entry in ClinVar:

NM_201596.3(CACNB2):c.1806C>A (p.His602Gln)

Gene: CACNB2 (calcium voltage-gated channel auxiliary subunit beta 2; plus strand). Cytogenetic location: 10p12.31.
Variant type: single nucleotide variant.
Coding change: c.1806C>A on transcript NM_201596.3 (MANE Select); coding-DNA position 1806, C replaced by A.
Protein change: p.His602Gln; replaces histidine 602 with glutamine.
Molecular consequence: missense variant.
Genome position (GRCh38, 1-based): chr10:18,539,547, C>A. VCF-style: chr10-18539547-C-A. GRCh37 (hg19) VCF-style: chr10-18828476-C-A.
Other names: c.1641C>A, p.His547Gln (NM_000724.4); c.1608C>A, p.His536Gln (NM_001167945.2); c.1527C>A, p.His509Gln (NM_001330060.2); c.1548C>A, p.His516Gln (NM_001410882.1); c.1662C>A, p.His554Gln (NM_201570.3); c.1722C>A, p.His574Gln (NM_201571.4); c.1650C>A, p.His550Gln (NM_201572.4); c.1644C>A, p.His548Gln (NM_201590.3); and 2 more; short protein forms H554Q, H509Q, H564Q, H574Q, H516Q, H547Q, H548Q, H602Q.
Identifiers: ClinVar variation 3994598 (VCV003994598.1).

ClinVar aggregate classification (germline): Uncertain significance (1 of 4 stars; one submission).

Conditions:
Cardiovascular phenotype. Identifiers: MedGen CN230736.

Submission:

Ambry Genetics
Classification: Uncertain significance for Cardiovascular phenotype. Last evaluated: 2025-04-19. Review status: criteria provided, single submitter. Criteria: Ambry Variant Classification Scheme 2023. Collection method: clinical testing. Allele origin: germline.
Comment: The p.H548Q variant (also known as c.1644C>A), located in coding exon 13 of the CACNB2 gene, results from a C to A substitution at nucleotide position 1644. The histidine at codon 548 is replaced by glutamine, an amino acid with highly similar properties. This amino acid position is conserved. In addition, this alteration is predicted to be tolerated by in silico analysis. Based on the available evidence, the clinical significance of this variant remains unclear.